The following is an entry in ClinVar:

ClinVar aggregate classification (germline): Likely benign. Review status: criteria provided, multiple submitters, no conflicts (2 of 4 stars). 2 submissions from 2 submitters: Likely benign (2). Last evaluated 2026-06-01.

Submissions (2):

CeGaT Center for Human Genetics Tuebingen
Classification: Likely benign. Last evaluated: 2026-06-01. Review status: criteria provided, single submitter. Criteria: CeGaT Center For Human Genetics Tuebingen Variant Classification Criteria Version 2. Collection method: clinical testing. Allele origin: germline. Affected: yes. Observed: 1 variant allele.
Comment: DNAH9: BP4, BP7

Labcorp Genetics (formerly Invitae), Labcorp
Classification: Likely benign. Last evaluated: 2026-01-06. Review status: criteria provided, single submitter. Criteria: Invitae Variant Classification Sherloc (09022015). Collection method: clinical testing. Allele origin: germline.

NM_001372.4(DNAH9):c.6132A>G (p.Leu2044=)

Gene: DNAH9 (dynein axonemal heavy chain 9; plus strand). Cytogenetic location: 17p12.
Variant type: single nucleotide variant.
Coding change: c.6132A>G on transcript NM_001372.4 (MANE Select); coding-DNA position 6132, A replaced by G.
Protein change: p.Leu2044=; no amino-acid change (leucine 2044 retained).
Molecular consequence: synonymous variant.
Genome position (GRCh38, 1-based): chr17:11,744,817, A>G. VCF-style: chr17-11744817-A-G. GRCh37 (hg19) VCF-style: chr17-11648134-A-G.
Identifiers: ClinVar variation 3695732 (VCV003695732.4).
Genomic context (GRCh38, chr17:11,744,817, plus strand): 5'-GTTCTGTCTCTCTGTCACTTTGATCTAACACTGCCCACAGGATCACTACGACTGGGGCCT[A>G]CGGGCCATCAAGTCCGTGCTGGTGGTGGCAGGATCCCTGAAGAGAGGAGACCCTGACCGG-3'
Protein context (NP_001363.2, residues 2034-2054): LSKQDHYDWG[Leu2044=]RAIKSVLVVA